The following is an entry in ClinVar:

NM_006767.4(LZTR1):c.19A>G (p.Thr7Ala)

Genes: LZTR1 (leucine zipper like post translational regulator 1; plus strand), LOC130067016 (ATAC-STARR-seq lymphoblastoid silent region 13504; plus strand). Cytogenetic location: 22q11.21.
Variant type: single nucleotide variant.
Coding change: c.19A>G on transcript NM_006767.4 (MANE Select); coding-DNA position 19, A replaced by G.
Protein change: p.Thr7Ala; replaces threonine 7 with alanine.
Molecular consequence: missense variant.
Genome position (GRCh38, 1-based): chr22:20,982,390, A>G. VCF-style: chr22-20982390-A-G. GRCh37 (hg19) VCF-style: chr22-21336679-A-G.
Other names: short protein forms T7A.
Identifiers: ClinVar variation 4803165 (VCV004803165.1).

ClinVar aggregate classification (germline): Uncertain significance (1 of 4 stars; one submission).

Submission:

Labcorp Genetics (formerly Invitae), Labcorp
Classification: Uncertain significance. Last evaluated: 2026-01-11. Review status: criteria provided, single submitter. Criteria: Invitae Variant Classification Sherloc (09022015). Collection method: clinical testing. Allele origin: germline.
Comment: This sequence change replaces threonine, which is neutral and polar, with alanine, which is neutral and non-polar, at codon 7 of the LZTR1 protein (p.Thr7Ala). This variant is not present in population databases (gnomAD no frequency). This variant has not been reported in the literature in individuals affected with LZTR1-related conditions. Invitae Evidence Modeling of protein sequence and biophysical properties (such as structural, functional, and spatial information, amino acid conservation, physicochemical variation, residue mobility, and thermodynamic stability) has been performed for this missense variant. However, the output from this modeling did not meet the statistical confidence thresholds required to predict the impact of this variant on LZTR1 protein function. In summary, the available evidence is currently insufficient to determine the role of this variant in disease. Therefore, it has been classified as a Variant of Uncertain Significance.